The following is an entry in ClinVar:

NM_020975.6(RET):c.1985A>G (p.Lys662Arg)

Gene: RET (ret proto-oncogene; plus strand). Cytogenetic location: 10q11.21.
Variant type: single nucleotide variant.
Coding change: c.1985A>G on transcript NM_020975.6 (MANE Select); coding-DNA position 1985, A replaced by G.
Protein change: p.Lys662Arg; replaces lysine 662 with arginine.
Molecular consequence: missense variant.
Genome position (GRCh38, 1-based): chr10:43,114,585, A>G. VCF-style: chr10-43114585-A-G. GRCh37 (hg19) VCF-style: chr10-43610033-A-G.
Other names: c.1985A>G, p.Lys662Arg (NM_000323.2, NM_001406743.1, NM_001406744.1 and 4 more transcripts); c.1223A>G, p.Lys408Arg (NM_001355216.2); c.1856A>G, p.Lys619Arg (NM_001406761.1, NM_001406762.1, NM_001406764.1); c.1697A>G, p.Lys566Arg (NM_001406766.1, NM_001406767.1, NM_001406770.1); c.1589A>G, p.Lys530Arg (NM_001406769.1, NM_001406772.1); c.1547A>G, p.Lys516Arg (NM_001406771.1, NM_001406773.1); c.1460A>G, p.Lys487Arg (NM_001406774.1); c.1259A>G, p.Lys420Arg (NM_001406775.1, NM_001406776.1, NM_001406777.1 and 1 more transcripts); and 7 more; short protein forms K408R, K662R, K267R, K420R, K487R, K516R, K619R, K320R.
Identifiers: ClinVar variation 1036436 (VCV001036436.9), dbSNP rs1588874193, ClinGen allele CA376553079.

ClinVar aggregate classification (germline): Uncertain significance (1 of 4 stars; one submission).

Conditions:
Multiple endocrine neoplasia, type 2 (MEN2). Identifiers: Orphanet 653, MedGen C4048306, MONDO:0019003. Disease mechanism: gain of function.

Allele frequency attached by ClinVar (database versions not stated): gnomAD exomes below 0.00001.
gnomAD v4.1: 1 of 1,612,246 alleles (0.000062%); highest among the groups gnomAD compares: Non-Finnish European, 0.000085%; no homozygotes.

Submission:

Labcorp Genetics (formerly Invitae), Labcorp
Classification: Uncertain significance for Multiple endocrine neoplasia, type 2. Last evaluated: 2025-07-14. Review status: criteria provided, single submitter. Criteria: Invitae Variant Classification Sherloc (09022015). Collection method: clinical testing. Allele origin: germline.
Comment: This sequence change replaces lysine, which is basic and polar, with arginine, which is basic and polar, at codon 662 of the RET protein (p.Lys662Arg). This variant is not present in population databases (gnomAD no frequency). This variant has not been reported in the literature in individuals affected with RET-related conditions. ClinVar contains an entry for this variant (Variation ID: 1036436). An algorithm developed to predict the effect of missense changes on protein structure and function (PolyPhen-2) suggests that this variant is likely to be tolerated. In summary, the available evidence is currently insufficient to determine the role of this variant in disease. Therefore, it has been classified as a Variant of Uncertain Significance.